The following is an entry in ClinVar:

NM_022132.5(MCCC2):c.625-11T>C

Gene: MCCC2 (methylcrotonyl-CoA carboxylase subunit 2; plus strand). Cytogenetic location: 5q13.2.
Variant type: single nucleotide variant.
Coding change: c.625-11T>C on transcript NM_022132.5 (MANE Select); 11 bases into the intron before coding-DNA position 625, T replaced by C.
Molecular consequence: intron variant.
Genome position (GRCh38, 1-based): chr5:71,626,629, T>C. VCF-style: chr5-71626629-T-C. GRCh37 (hg19) VCF-style: chr5-70922456-T-C.
Other names: c.625-5492T>C (NM_001363147.1).
Identifiers: ClinVar variation 3061877 (VCV003061877.1), dbSNP rs2530808414, ClinGen allele CA2740091745.

ClinVar aggregate classification (germline): Uncertain significance (1 of 4 stars; one submission).

Conditions:
3-methylcrotonyl-CoA carboxylase 2 deficiency. Also called: 3 alpha methylcrotonyl-CoA carboxylase 2 deficiency; 3 alpha methylcrotonylglycinuria 2; MCC 2 deficiency; Methylcrotonylglycinuria type 2; METHYLCROTONYLGLYCINURIA, TYPE II. Identifiers: Orphanet 6, MedGen C1859499, MONDO:0008862, OMIM 210210.

Submission:

MVZ Medizinische Genetik Mainz
Classification: Uncertain significance for 3-methylcrotonyl-CoA carboxylase 2 deficiency. Last evaluated: 2023-01-11. Review status: criteria provided, single submitter. Criteria: UK Practice Guidelines For Variant Classification V4 01 2020. Collection method: clinical testing. Allele origin: germline. Inheritance: Autosomal recessive inheritance. Affected: yes. Observed: 1 variant allele.
Comment: PM2_SUP,PM3_SUP,PP4